The following is an entry in ClinVar:

ClinVar aggregate classification (germline): Uncertain significance (1 of 4 stars; one submission).

Submission:

GeneDx
Classification: Uncertain significance. Last evaluated: 2026-02-18. Review status: criteria provided, single submitter. Criteria: GeneDx Variant Classification Process June 2021. Collection method: clinical testing. Allele origin: germline.
Comment: Not observed at significant frequency in large population cohorts (gnomAD); In silico analysis supports that this missense variant has a deleterious effect on protein structure/function; Has not been previously published as pathogenic or benign to our knowledge.

NM_004630.4(SF1):c.953C>T (p.Ala318Val)

Gene: SF1 (splicing factor 1; minus strand). Cytogenetic location: 11q13.1.
Variant type: single nucleotide variant.
Coding change: c.953C>T on transcript NM_004630.4 (MANE Select); coding-DNA position 953, C replaced by T.
Protein change: p.Ala318Val; replaces alanine 318 with valine.
Molecular consequence: missense variant.
Genome position (GRCh38, 1-based): chr11:64,768,221, G>A on the plus strand (C>T on the coding strand, the complement: SF1 is on the minus strand). VCF-style: chr11-64768221-G-A. GRCh37 (hg19) VCF-style: chr11-64535693-G-A.
Other names: c.875C>T, p.Ala292Val (NM_001178031.3, NM_001440584.1, NM_001440585.1); c.953C>T, p.Ala318Val (NM_001346363.2, NM_001346364.2, NM_001440582.1 and 4 more transcripts); c.608C>T, p.Ala203Val (NM_001346409.2, NM_001346410.2); c.1328C>T, p.Ala443Val (NM_001378956.1, NM_001378957.1, NM_001440580.1 and 2 more transcripts); short protein forms A203V, A292V, A318V, A443V.
Identifiers: ClinVar variation 4976287 (VCV004976287.1).
Genomic context (GRCh38, chr11:64,768,221, plus strand): 5'-GTGGTGGCAGGCCCAGAGGTGGAGCCCACAGATGCTGGGACAGGTGCTTCACCCAGTTCA[G>A]CCATGAGGGACAAATATTCTTTATCCATCCGTGCTTTATCCTGAGCTGACTGAGGATCAC-3'
Protein context (NP_004621.2, residues 308-328): RMDKEYLSLM[Ala318Val]ELGEAPVPAS